The following is an entry in ClinVar:

NM_001378609.3(OTOGL):c.169-12T>C

Gene: OTOGL (otogelin like; plus strand). Cytogenetic location: 12q21.31.
Variant type: single nucleotide variant.
Coding change: c.169-12T>C on transcript NM_001378609.3 (MANE Select); 12 bases into the intron before coding-DNA position 169, T replaced by C.
Molecular consequence: intron variant.
Genome position (GRCh38, 1-based): chr12:80,217,586, T>C. VCF-style: chr12-80217586-T-C. GRCh37 (hg19) VCF-style: chr12-80611366-T-C.
Other names: c.169-12T>C (NM_001368062.3, NM_001378610.3, NM_173591.7).
Identifiers: ClinVar variation 3342429 (VCV003342429.1).
Genomic context (GRCh38, chr12:80,217,586, plus strand): 5'-TTTGCCAATTTGCATGTTTGGCTTGAATTAAATAATTTAACTGTATTGCATTCTCATTTC[T>C]TTCTTTCAAAGTTTGAAGCTACTTCTCCGAGATACTTTTTCCATGATGCTATTAATTGGG-3'

ClinVar aggregate classification (germline): Uncertain significance (1 of 4 stars; one submission).

gnomAD v4.1: 9 of 1,506,550 alleles (0.0006%); highest among the groups gnomAD compares: Admixed American, 0.0057%; no homozygotes.

Submission:

GeneDx
Classification: Uncertain significance. Last evaluated: 2024-01-05. Review status: criteria provided, single submitter. Criteria: GeneDx Variant Classification Process June 2021. Collection method: clinical testing. Allele origin: germline. Affected: yes.
Comment: Has not been previously published as pathogenic or benign to our knowledge; In silico analysis is inconclusive as to whether the variant alters gene splicing. In the absence of RNA/functional studies, the actual effect of this sequence change is unknown.